The following is an entry in ClinVar:

NM_000052.7(ATP7A):c.4219C>G (p.Leu1407Val)

Gene: ATP7A (ATPase copper transporting alpha; plus strand). Cytogenetic location: Xq21.1.
Variant type: single nucleotide variant.
Coding change: c.4219C>G on transcript NM_000052.7 (MANE Select); coding-DNA position 4219, C replaced by G.
Protein change: p.Leu1407Val; replaces leucine 1407 with valine.
Molecular consequence: missense variant. On other transcripts: non-coding transcript variant (1).
Genome position (GRCh38, 1-based): chrX:78,045,565, C>G. VCF-style: chrX-78045565-C-G. GRCh37 (hg19) VCF-style: chrX-77301062-C-G.
Other names: c.3985C>G, p.Leu1329Val (NM_001282224.2); short protein forms L1329V, L1407V.
Identifiers: ClinVar variation 2949494 (VCV002949494.3), dbSNP rs1557239007, ClinGen allele CA413605931.
Genomic context (GRCh38, chrX:78,045,565, plus strand): 5'-TGGATGGGATCTGCAGCAATGGCTGCTTCATCTGTTTCTGTAGTACTTTCTTCTCTCTTC[C>G]TTAAACTGTAAGTATGATAGCTTGCTCACATTTGTATTTTGTATTCCTGTTATCATCTAG-3'
Protein context (NP_000043.4, residues 1397-1417): SVSVVLSSLF[Leu1407Val]KLYRKPTYES

ClinVar aggregate classification (germline): Uncertain significance (1 of 4 stars; one submission).

Conditions:
Menkes kinky-hair syndrome (MNK). Also called: Classic Menkes Disease; Copper transport disease; Menkes Disease. Identifiers: Orphanet 565, MedGen C0022716, MONDO:0010651, OMIM 309400.
Cutis laxa, X-linked (OHS). Also called: EDS IX; Occipital horn syndrome. Identifiers: Orphanet 198, MedGen C0268353, MONDO:0010572, OMIM 304150.
X-linked distal spinal muscular atrophy type 3. Also called: ATP7A-Related Distal Motor Neuropathy; SPINAL MUSCULAR ATROPHY, DISTAL, X-LINKED RECESSIVE; NEURONOPATHY, DISTAL HEREDITARY MOTOR, X-LINKED; NEUROPATHY, DISTAL HEREDITARY MOTOR, X-LINKED. Identifiers: Orphanet 139557, MedGen C1845359, MONDO:0010338, OMIM 300489.

Submission:

Labcorp Genetics (formerly Invitae), Labcorp
Classification: Uncertain significance for X-linked distal spinal muscular atrophy type 3; Cutis laxa, X-linked; Menkes kinky-hair syndrome. Last evaluated: 2023-10-05. Review status: criteria provided, single submitter. Criteria: Invitae Variant Classification Sherloc (09022015). Collection method: clinical testing. Allele origin: germline.
Comment: This sequence change replaces leucine, which is neutral and non-polar, with valine, which is neutral and non-polar, at codon 1407 of the ATP7A protein (p.Leu1407Val). This variant is not present in population databases (gnomAD no frequency). This variant has not been reported in the literature in individuals affected with ATP7A-related conditions. Advanced modeling of protein sequence and biophysical properties (such as structural, functional, and spatial information, amino acid conservation, physicochemical variation, residue mobility, and thermodynamic stability) has been performed at Invitae for this missense variant, however the output from this modeling did not meet the statistical confidence thresholds required to predict the impact of this variant on ATP7A protein function. In summary, the available evidence is currently insufficient to determine the role of this variant in disease. Therefore, it has been classified as a Variant of Uncertain Significance.